The following is an entry in ClinVar:

ClinVar aggregate classification (germline): Pathogenic/Likely pathogenic. Review status: criteria provided, multiple submitters, no conflicts (2 of 4 stars). 2 submissions from 2 submitters: Pathogenic (1); Likely pathogenic (1). Last evaluated 2025-12-24.

Conditions:
Glycogen storage disease due to muscle and heart glycogen synthase deficiency. Also called: GSD 0b; MUSCLE GLYCOGEN SYNTHASE DEFICIENCY. Identifiers: Orphanet 137625, MedGen C1969054, MONDO:0012693, OMIM 611556.

Allele frequency attached by ClinVar (database versions not stated): gnomAD exomes below 0.00001 and 0.00001; gnomAD 0.00001; ExAC 0.00002.

Submissions (2):

Labcorp Genetics (formerly Invitae), Labcorp
Classification: Pathogenic for Glycogen storage disease due to muscle and heart glycogen synthase deficiency. Last evaluated: 2025-12-24. Review status: criteria provided, single submitter. Criteria: Invitae Variant Classification Sherloc (09022015). Collection method: clinical testing. Allele origin: germline.
Comment: This sequence change creates a premature translational stop signal (p.Thr54Asnfs*111) in the GYS1 gene. It is expected to result in an absent or disrupted protein product. Loss-of-function variants in GYS1 are known to be pathogenic (PMID: 17928598, 19699667). This variant is present in population databases (rs775324036, gnomAD 0.0009%). This variant has not been reported in the literature in individuals affected with GYS1-related conditions. ClinVar contains an entry for this variant (Variation ID: 422359). For these reasons, this variant has been classified as Pathogenic.

GeneDx
Classification: Likely pathogenic. Last evaluated: 2016-09-28. Review status: criteria provided, single submitter. Criteria: GeneDx Variant Classification (06012015). Collection method: clinical testing. Allele origin: germline. Affected: yes.
Comment: The c.160dupA variant in the GYS1 gene has not been reported previously as a pathogenic variant nor as a benign variant, to our knowledge. The c.160dupA variant causes a frameshift starting with codon Threonine 54, changes this amino acid to an Asparagine residue, and creates a premature Stop codon at position 111 of the new reading frame, denoted p.Thr54AsnfsX111. This variant is predicted to cause loss of normal protein function either through protein truncation or nonsense-mediated mRNA decay. The c.160dupA variant was not observed in approximately 6500 individuals of European and African American ancestry in the NHLBI Exome Sequencing Project, indicating it is not a common benign variant in these populations. The c.160dupA variant is a strong candidate for a pathogenic variant, however the possibility it may be a rare benign variant cannot be excluded.

Literature cited by the submitters: PubMed 17928598 (cited by Labcorp Genetics (formerly Invitae), Labcorp); PubMed 19699667 (cited by Labcorp Genetics (formerly Invitae), Labcorp).

NM_002103.5(GYS1):c.160dup (p.Thr54fs)

Gene: GYS1 (glycogen synthase 1; minus strand). Cytogenetic location: 19q13.33.
Variant type: Duplication.
Coding change: c.160dup on transcript NM_002103.5 (MANE Select); coding-DNA position 160, one base duplicated (A; older notation c.160dupA).
Protein change: p.Thr54fs; shifts the reading frame from threonine 54.
Molecular consequence: frameshift variant.
Genome position (GRCh38, 1-based): chr19:48,991,442, T duplicated on the plus strand (A on the coding strand, the reverse complement: GYS1 is on the minus strand). VCF-style (leftmost placement, unchanged base first): chr19-48991441-G-GT. GRCh37 (hg19) VCF-style: chr19-49494698-G-GT.
Other names: c.160dup, p.Thr54fs (NM_001161587.2); short protein forms T54fs.
Identifiers: ClinVar variation 422359 (VCV000422359.3), dbSNP rs775324036, ClinGen allele CA9563429.